The following is an entry in ClinVar:

ClinVar aggregate classification (germline): Uncertain significance (1 of 4 stars; one submission).

gnomAD v4.1: 3 of 1,614,124 alleles (0.00019%); highest among the groups gnomAD compares: Admixed American, 0.005%; no homozygotes.

Submission:

Labcorp Genetics (formerly Invitae), Labcorp
Classification: Uncertain significance. Last evaluated: 2024-02-07. Review status: criteria provided, single submitter. Criteria: Invitae Variant Classification Sherloc (09022015). Collection method: clinical testing. Allele origin: germline.
Comment: This sequence change replaces glutamine, which is neutral and polar, with lysine, which is basic and polar, at codon 1365 of the ARID1A protein (p.Gln1365Lys). This variant is present in population databases (rs759447853, gnomAD 0.003%). This variant has not been reported in the literature in individuals affected with ARID1A-related conditions. Advanced modeling of protein sequence and biophysical properties (such as structural, functional, and spatial information, amino acid conservation, physicochemical variation, residue mobility, and thermodynamic stability) performed at Invitae indicates that this missense variant is expected to disrupt ARID1A protein function with a positive predictive value of 80%. In summary, the available evidence is currently insufficient to determine the role of this variant in disease. Therefore, it has been classified as a Variant of Uncertain Significance.

NM_006015.6(ARID1A):c.4093C>A (p.Gln1365Lys)

Gene: ARID1A (AT-rich interaction domain 1A; plus strand). Cytogenetic location: 1p36.11.
Variant type: single nucleotide variant.
Coding change: c.4093C>A on transcript NM_006015.6 (MANE Select); coding-DNA position 4093, C replaced by A.
Protein change: p.Gln1365Lys; replaces glutamine 1365 with lysine.
Molecular consequence: missense variant.
Genome position (GRCh38, 1-based): chr1:26,773,890, C>A. VCF-style: chr1-26773890-C-A. GRCh37 (hg19) VCF-style: chr1-27100381-C-A.
Other names: c.4093C>A, p.Gln1365Lys (NM_139135.4); short protein forms Q1365K.
Identifiers: ClinVar variation 3686137 (VCV003686137.2).